The following is an entry in ClinVar:

NM_022915.5(MRPL44):c.828-13G>C

Gene: MRPL44 (mitochondrial ribosomal protein L44; plus strand). Cytogenetic location: 2q36.1.
Variant type: single nucleotide variant.
Coding change: c.828-13G>C on transcript NM_022915.5 (MANE Select); 13 bases into the intron before coding-DNA position 828, G replaced by C.
Molecular consequence: intron variant.
Genome position (GRCh38, 1-based): chr2:223,966,850, G>C. VCF-style: chr2-223966850-G-C. GRCh37 (hg19) VCF-style: chr2-224831567-G-C.
Identifiers: ClinVar variation 138248 (VCV000138248.11), dbSNP rs112912106, ClinGen allele CA292137.
Genomic context (GRCh38, chr2:223,966,850, plus strand): 5'-GCTTTATAACTGCTTTGTGTACTGTCTTACAATATTCCATGTAATTTAAGACTACTGTTT[G>C]TTCTCTTTCTAGTGATAAAAAGTTGATTGCAGAAGGACCTGGGGAAACAGTATTGGTTGC-3'

ClinVar aggregate classification (germline): Benign. Review status: criteria provided, multiple submitters, no conflicts (2 of 4 stars). 3 submissions from 3 submitters: Benign (3). Last evaluated 2026-01-26.

Allele frequency attached by ClinVar (database versions not stated): gnomAD exomes 0.00094 and 0.00284; ExAC 0.00349; gnomAD 0.00921 and 0.00981; 1000 Genomes Project 0.01038; TOPMed 0.01064; 1000 Genomes Project 30x 0.01140; ESP Exome Variant Server 0.01176.

Submissions (3):

Labcorp Genetics (formerly Invitae), Labcorp
Classification: Benign. Last evaluated: 2026-01-26. Review status: criteria provided, single submitter. Criteria: Invitae Variant Classification Sherloc (09022015). Collection method: clinical testing. Allele origin: germline.

GeneDx
Classification: Benign. Last evaluated: 2014-04-23. Review status: criteria provided, single submitter. Criteria: GeneDx Variant Classification (06012015). Collection method: clinical testing. Allele origin: germline. Affected: yes.
Comment: This variant is considered likely benign or benign based on one or more of the following criteria: it is a conservative change, it occurs at a poorly conserved position in the protein, it is predicted to be benign by multiple in silico algorithms, and/or has population frequency not consistent with disease.

Breakthrough Genomics
Classification: Benign. Review status: criteria provided, single submitter. Criteria: ACMG Guidelines, 2015. Collection method: not provided. Allele origin: germline. Inheritance: Autosomal recessive inheritance. Affected: yes.